The following is an entry in ClinVar:

ClinVar aggregate classification (germline): Conflicting classifications of pathogenicity. Review status: criteria provided, conflicting classifications (1 of 4 stars). 3 submissions from 3 submitters: Uncertain significance (1); Benign (1). 1 of the submissions does not count toward it. Last evaluated 2026-01-25.

Conditions:
DNA2-related disorder. Also called: DNA2-related condition.
Inborn genetic diseases. Identifiers: MedGen C0950123, MeSH D030342.

Allele frequency attached by ClinVar (database versions not stated): gnomAD exomes 0.00012 and 0.00044; ExAC 0.00042; ESP Exome Variant Server 0.00128; gnomAD 0.00164 and 0.00177; TOPMed 0.00165; 1000 Genomes Project 30x 0.00203; 1000 Genomes Project 0.00220.
gnomAD v4.1: 418 of 1,566,420 alleles (0.027%); highest among the groups gnomAD compares: African/African-American, 0.53%; 1 homozygote.

Submissions (3):

Labcorp Genetics (formerly Invitae), Labcorp
Classification: Benign. Last evaluated: 2026-01-25. Review status: criteria provided, single submitter. Criteria: Invitae Variant Classification Sherloc (09022015). Collection method: clinical testing. Allele origin: germline.

Ambry Genetics
Classification: Uncertain significance for Inborn genetic diseases. Last evaluated: 2025-01-17. Review status: criteria provided, single submitter. Criteria: Ambry Variant Classification Scheme 2023. Collection method: clinical testing. Allele origin: germline.

PreventionGenetics, part of Exact Sciences
Classification: Likely benign for DNA2-related condition. Last evaluated: 2019-10-25. Review status: no assertion criteria provided. Collection method: clinical testing. Allele origin: germline. Not counted in ClinVar's aggregate classification.
Comment: This variant is classified as likely benign based on ACMG/AMP sequence variant interpretation guidelines (Richards et al. 2015 PMID: 25741868, with internal and published modifications).

NM_001080449.3(DNA2):c.2212A>G (p.Ile738Val)

Gene: DNA2 (DNA replication helicase/nuclease 2; minus strand). Cytogenetic location: 10q21.3.
Variant type: single nucleotide variant.
Coding change: c.2212A>G on transcript NM_001080449.3 (MANE Select); coding-DNA position 2212, A replaced by G.
Protein change: p.Ile738Val; replaces isoleucine 738 with valine.
Molecular consequence: missense variant. On other transcripts: non-coding transcript variant (1).
Genome position (GRCh38, 1-based): chr10:68,422,887, T>C on the plus strand (A>G on the coding strand, the complement: DNA2 is on the minus strand). VCF-style: chr10-68422887-T-C. GRCh37 (hg19) VCF-style: chr10-70182644-T-C.
Other names: short protein forms I738V.
Identifiers: ClinVar variation 706625 (VCV000706625.13), dbSNP rs149606167, ClinGen allele CA5524868.